The following is an entry in ClinVar:

NM_182961.4(SYNE1):c.17426C>G (p.Ala5809Gly)

Genes: SYNE1 (spectrin repeat containing nuclear envelope protein 1; minus strand), LOC129997480 (ATAC-STARR-seq lymphoblastoid active region 25287; plus strand). Cytogenetic location: 6q25.2.
Variant type: single nucleotide variant.
Coding change: c.17426C>G on transcript NM_182961.4 (MANE Select); coding-DNA position 17426, C replaced by G.
Protein change: p.Ala5809Gly; replaces alanine 5809 with glycine.
Molecular consequence: missense variant.
Genome position (GRCh38, 1-based): chr6:152,301,984, G>C on the plus strand (C>G on the coding strand, the complement: SYNE1 is on the minus strand). VCF-style: chr6-152301984-G-C. GRCh37 (hg19) VCF-style: chr6-152623119-G-C.
Other names: c.17213C>G, p.Ala5738Gly (NM_033071.5); short protein forms A5738G, A5809G.
Identifiers: ClinVar variation 1393820 (VCV001393820.8), dbSNP rs2095195177, ClinGen allele CA366103804.
Genomic context (GRCh38, chr6:152,301,984, plus strand): 5'-TCTGTCCCTTCCGCCAGCCCCTCGACCTCGGTCACCGTCAGCAGCATGGTGGCGTGCTTG[G>C]CTTTCATCGTCAGCATCTTGCACTTGGAATTCAAAGAAGCGATCTGCTCCTGGTAGCCCT-3'
Protein context (NP_892006.3, residues 5799-5819): NSKCKMLTMK[Ala5809Gly]KHATMLLTVT

ClinVar aggregate classification (germline): Uncertain significance (1 of 4 stars; one submission).

Conditions:
Emery-Dreifuss muscular dystrophy 4, autosomal dominant (EDMD4). Also called: EMERY-DREIFUSS MUSCULAR DYSTROPHY 4 WITH VARIABLE FEATURES. Identifiers: Orphanet 261, MedGen C2751807, MONDO:0013071, OMIM 612998.
Autosomal recessive ataxia, Beauce type. Also called: SYNE1-Related Autosomal Recessive Cerebellar Ataxia; Spinocerebellar ataxia, autosomal recessive 8; ATAXIA, RECESSIVE, OF BEAUCE; SYNE1 Deficiency. Identifiers: Orphanet 88644, MedGen C1853116, MONDO:0012549, OMIM 610743.

Submission:

Labcorp Genetics (formerly Invitae), Labcorp
Classification: Uncertain significance for Emery-Dreifuss muscular dystrophy 4, autosomal dominant; Autosomal recessive ataxia, Beauce type. Last evaluated: 2022-11-07. Review status: criteria provided, single submitter. Criteria: Invitae Variant Classification Sherloc (09022015). Collection method: clinical testing. Allele origin: germline.
Comment: In summary, the available evidence is currently insufficient to determine the role of this variant in disease. Therefore, it has been classified as a Variant of Uncertain Significance. Algorithms developed to predict the effect of missense changes on protein structure and function (SIFT, PolyPhen-2, Align-GVGD) all suggest that this variant is likely to be disruptive. ClinVar contains an entry for this variant (Variation ID: 1393820). This variant has not been reported in the literature in individuals affected with SYNE1-related conditions. This variant is not present in population databases (gnomAD no frequency). This sequence change replaces alanine, which is neutral and non-polar, with glycine, which is neutral and non-polar, at codon 5738 of the SYNE1 protein (p.Ala5738Gly).